The following is an entry in ClinVar:

NM_015192.4(PLCB1):c.2290G>C (p.Val764Leu)

Gene: PLCB1 (phospholipase C beta 1; plus strand). Cytogenetic location: 20p12.3.
Variant type: single nucleotide variant.
Coding change: c.2290G>C on transcript NM_015192.4 (MANE Select); coding-DNA position 2290, G replaced by C.
Protein change: p.Val764Leu; replaces valine 764 with leucine.
Molecular consequence: missense variant.
Genome position (GRCh38, 1-based): chr20:8,739,342, G>C. VCF-style: chr20-8739342-G-C. GRCh37 (hg19) VCF-style: chr20-8719989-G-C.
Other names: c.2290G>C, p.Val764Leu (NM_182734.3); short protein forms V764L.
Identifiers: ClinVar variation 1995342 (VCV001995342.2), dbSNP rs1265175921, ClinGen allele CA408207788.

ClinVar aggregate classification (germline): Uncertain significance (1 of 4 stars; one submission).

Conditions:
Developmental and epileptic encephalopathy, 12 (DEE12). Identifiers: MedGen C3150988, MONDO:0013389, OMIM 613722.

Allele frequency attached by ClinVar (database versions not stated): gnomAD exomes below 0.00001; TOPMed below 0.00001; gnomAD 0.00001.
gnomAD v4.1: 2 of 1,612,394 alleles (0.00012%); highest among the groups gnomAD compares: African/African-American, 0.0027%; no homozygotes.

Submission:

Labcorp Genetics (formerly Invitae), Labcorp
Classification: Uncertain significance for Developmental and epileptic encephalopathy, 12. Last evaluated: 2022-05-16. Review status: criteria provided, single submitter. Criteria: Invitae Variant Classification Sherloc (09022015). Collection method: clinical testing. Allele origin: germline.
Comment: This sequence change replaces valine, which is neutral and non-polar, with leucine, which is neutral and non-polar, at codon 764 of the PLCB1 protein (p.Val764Leu). This variant is present in population databases (no rsID available, gnomAD 0.01%). This variant has not been reported in the literature in individuals affected with PLCB1-related conditions. Algorithms developed to predict the effect of missense changes on protein structure and function (SIFT, PolyPhen-2, Align-GVGD) all suggest that this variant is likely to be tolerated. In summary, the available evidence is currently insufficient to determine the role of this variant in disease. Therefore, it has been classified as a Variant of Uncertain Significance.